The following is an entry in ClinVar:

ClinVar aggregate classification (germline): Uncertain significance (1 of 4 stars; one submission).

Conditions:
Ataxia-telangiectasia syndrome (AT). Also called: LOUIS-BAR SYNDROME; Cerebello-oculocutaneous telangiectasia; Immunodeficiency with ataxia telangiectasia; Ataxia telangiectasia (A-T); Ataxia-telangiectasia, complementation group D; AT, COMPLEMENTATION GROUP C. Identifiers: Orphanet 100, MedGen C0004135, MONDO:0008840, OMIM 208900.

Submission:

Labcorp Genetics (formerly Invitae), Labcorp
Classification: Uncertain significance for Ataxia-telangiectasia syndrome. Last evaluated: 2023-06-15. Review status: criteria provided, single submitter. Criteria: Invitae Variant Classification Sherloc (09022015). Collection method: clinical testing. Allele origin: germline.
Comment: This sequence change replaces serine, which is neutral and polar, with arginine, which is basic and polar, at codon 2123 of the ATM protein (p.Ser2123Arg). This variant is not present in population databases (gnomAD no frequency). This variant has not been reported in the literature in individuals affected with ATM-related conditions. An algorithm developed to predict the effect of missense changes on protein structure and function (PolyPhen-2) suggests that this variant is likely to be tolerated. In summary, the available evidence is currently insufficient to determine the role of this variant in disease. Therefore, it has been classified as a Variant of Uncertain Significance.

NM_000051.4(ATM):c.6367A>C (p.Ser2123Arg)

Genes: ATM (ATM serine/threonine kinase; plus strand), C11orf65 (chromosome 11 open reading frame 65; minus strand). Cytogenetic location: 11q22.3.
Variant type: single nucleotide variant.
Coding change: c.6367A>C on transcript NM_000051.4 (MANE Select); coding-DNA position 6367, A replaced by C.
Protein change: p.Ser2123Arg; replaces serine 2123 with arginine.
Molecular consequence: missense variant. On other transcripts: intron variant (2).
Genome position (GRCh38, 1-based): chr11:108,319,973, A>C. VCF-style: chr11-108319973-A-C. GRCh37 (hg19) VCF-style: chr11-108190700-A-C.
Other names: c.6367A>C, p.Ser2123Arg (NM_001351834.2); c.641-10902T>G (NM_001330368.2); c.*39-10902T>G (NM_001351110.2); short protein forms S2123R.
Identifiers: ClinVar variation 2715586 (VCV002715586.3), dbSNP rs876659773, ClinGen allele CA382553219.